The following is an entry in ClinVar:

ClinVar aggregate classification (germline): Pathogenic (1 of 4 stars; one submission).

Allele frequency attached by ClinVar (database versions not stated): gnomAD exomes below 0.00001 and 0.00001.

Submission:

Labcorp Genetics (formerly Invitae), Labcorp
Classification: Pathogenic. Last evaluated: 2024-05-08. Review status: criteria provided, single submitter. Criteria: Invitae Variant Classification Sherloc (09022015). Collection method: clinical testing. Allele origin: germline.
Comment: This sequence change creates a premature translational stop signal (p.Glu935Aspfs*2) in the CNGB1 gene. It is expected to result in an absent or disrupted protein product. Loss-of-function variants in CNGB1 are known to be pathogenic (PMID: 15557452, 24043777). This variant is present in population databases (no rsID available, gnomAD 0.007%). This premature translational stop signal has been observed in individual(s) with retinitis pigmentosa (PMID: 26667666). ClinVar contains an entry for this variant (Variation ID: 1071898). For these reasons, this variant has been classified as Pathogenic.

Literature cited by the submitters: PubMed 15557452; PubMed 24043777; PubMed 26667666.

NM_001297.5(CNGB1):c.2805del (p.Glu935fs)

Gene: CNGB1 (cyclic nucleotide gated channel subunit beta 1; minus strand). Cytogenetic location: 16q21.
Variant type: Deletion.
Coding change: c.2805del on transcript NM_001297.5 (MANE Select); coding-DNA position 2805, one base deleted (G; older notation c.2805delG).
Protein change: p.Glu935fs; shifts the reading frame from glutamic acid 935.
Molecular consequence: frameshift variant.
Genome position (GRCh38, 1-based): chr16:57,901,615, C deleted on the plus strand (G on the coding strand, the reverse complement: CNGB1 is on the minus strand). VCF-style (leftmost placement, unchanged base first): chr16-57901614-GC-G. GRCh37 (hg19) VCF-style: chr16-57935518-GC-G.
Other names: c.2787del, p.Glu929fs (NM_001286130.2); short protein forms E929fs, E935fs.
Identifiers: ClinVar variation 1071898 (VCV001071898.9), dbSNP rs1189454389, ClinGen allele CA623113506.